The following is an entry in ClinVar:

NM_002739.5(PRKCG):c.1192G>T (p.Val398Leu)

Gene: PRKCG (protein kinase C gamma; plus strand). Cytogenetic location: 19q13.42.
Variant type: single nucleotide variant.
Coding change: c.1192G>T on transcript NM_002739.5 (MANE Select); coding-DNA position 1192, G replaced by T.
Protein change: p.Val398Leu; replaces valine 398 with leucine.
Molecular consequence: missense variant.
Genome position (GRCh38, 1-based): chr19:53,898,539, G>T. VCF-style: chr19-53898539-G-T. GRCh37 (hg19) VCF-style: chr19-54401793-G-T.
Other names: c.1192G>T (LRG_669t1); c.1192G>T, p.Val398Leu (NM_001316329.2); short protein forms V398L.
Identifiers: ClinVar variation 448125 (VCV000448125.3), dbSNP rs1165667637, ClinGen allele CA407418021.

ClinVar aggregate classification (germline): Uncertain significance. Review status: criteria provided, multiple submitters, no conflicts (2 of 4 stars). 2 submissions from 2 submitters: Uncertain significance (2). Last evaluated 2019-04-11.

Submissions (2):

GeneDx
Classification: Uncertain significance. Last evaluated: 2019-04-11. Review status: criteria provided, single submitter. Criteria: GeneDx Variant Classification Process June 2021. Collection method: clinical testing. Allele origin: germline. Affected: yes.
Comment: Not observed in large population cohorts (Lek et al., 2016); In silico analysis, which includes protein predictors and evolutionary conservation, supports that this variant does not alter protein structure/function; Has not been previously published as pathogenic or benign to our knowledge

Athena Diagnostics
Classification: Uncertain significance. Last evaluated: 2017-07-10. Review status: criteria provided, single submitter. Criteria: Athena Diagnostics Criteria. Collection method: clinical testing. Allele origin: germline.